The following is an entry in ClinVar:

ClinVar aggregate classification (germline): Likely benign (0 of 4 stars; one submission).

Conditions:
RIN1-related disorder. Also called: RIN1-related condition.

Allele frequency attached by ClinVar (database versions not stated): 1000 Genomes Project 0.00040; 1000 Genomes Project 30x 0.00062; TOPMed 0.00198; ESP Exome Variant Server 0.00213; gnomAD 0.00215; gnomAD exomes 0.00358.
gnomAD v4.1: 5,327 of 1,545,222 alleles (0.34%); highest among the groups gnomAD compares: Non-Finnish European, 0.43%; 13 homozygotes.

Submission:

PreventionGenetics, part of Exact Sciences
Classification: Likely benign for RIN1-related condition. Last evaluated: 2022-08-15. Review status: no assertion criteria provided. Collection method: clinical testing. Allele origin: germline.
Comment: This variant is classified as likely benign based on ACMG/AMP sequence variant interpretation guidelines (Richards et al. 2015 PMID: 25741868, with internal and published modifications).

NM_004292.3(RIN1):c.1378G>A (p.Gly460Ser)

Gene: RIN1 (Ras and Rab interactor 1; minus strand). Cytogenetic location: 11q13.2.
Variant type: single nucleotide variant.
Coding change: c.1378G>A on transcript NM_004292.3 (MANE Select); coding-DNA position 1378, G replaced by A.
Protein change: p.Gly460Ser; replaces glycine 460 with serine.
Molecular consequence: missense variant. On other transcripts: intron variant (1).
Genome position (GRCh38, 1-based): chr11:66,334,132, C>T on the plus strand (G>A on the coding strand, the complement: RIN1 is on the minus strand). VCF-style: chr11-66334132-C-T. GRCh37 (hg19) VCF-style: chr11-66101603-C-T.
Other names: c.1294G>A, p.Gly432Ser (NM_001363559.2); c.1286-94G>A (NM_001363560.2); short protein forms G432S, G460S.
Identifiers: ClinVar variation 3046215 (VCV003046215.2), dbSNP rs202010918, ClinGen allele CA6119525.